The following is an entry in ClinVar:

ClinVar aggregate classification (germline): Benign/Likely benign. Review status: criteria provided, multiple submitters, no conflicts (2 of 4 stars). 6 submissions from 6 submitters: Benign (2); Likely benign (3). 1 of the submissions does not count toward it. Last evaluated 2026-03-01.

Conditions:
CTNNA1-related disorder. Also called: CTNNA1-related condition.
Hereditary cancer-predisposing syndrome. Also called: Neoplastic Syndromes, Hereditary; Tumor predisposition; Hereditary neoplastic syndrome; Hereditary Cancer Syndrome. Identifiers: Orphanet 140162, MedGen C0027672, MeSH D009386, MONDO:0015356.
Hereditary diffuse gastric adenocarcinoma (HDGC). Also called: DIFFUSE GASTRIC AND LOBULAR BREAST CANCER SYNDROME. Identifiers: Orphanet 26106, MedGen C1708349, MONDO:0007648, OMIM 137215.

Allele frequency attached by ClinVar (database versions not stated): gnomAD 0.00003; gnomAD exomes 0.00010 and 0.00019; ExAC 0.00012; TOPMed 0.00020.
gnomAD v4.1: 63 of 1,614,008 alleles (0.0039%); highest among the groups gnomAD compares: Admixed American, 0.1%; no homozygotes.

Submissions (6):

CeGaT Center for Human Genetics Tuebingen
Classification: Likely benign. Last evaluated: 2026-03-01. Review status: criteria provided, single submitter. Criteria: CeGaT Center For Human Genetics Tuebingen Variant Classification Criteria Version 2. Collection method: clinical testing. Allele origin: germline. Affected: yes. Observed: 1 variant allele.
Comment: CTNNA1: BP4, BP7

Labcorp Genetics (formerly Invitae), Labcorp
Classification: Benign. Last evaluated: 2026-01-28. Review status: criteria provided, single submitter. Criteria: Invitae Variant Classification Sherloc (09022015). Collection method: clinical testing. Allele origin: germline.

Myriad Genetics, Inc.
Classification: Benign for Hereditary diffuse gastric adenocarcinoma. Last evaluated: 2024-10-11. Review status: criteria provided, single submitter. Criteria: Myriad Autosomal Dominant, Autosomal Recessive and X-Linked Classification Criteria (2023). Collection method: clinical testing. Allele origin: unknown.
Comment: This variant is considered benign. This variant is a silent/synonymous amino acid change and it is not expected to impact splicing.

Blueprint Genetics
Classification: Likely benign. Last evaluated: 2024-08-20. Review status: criteria provided, single submitter. Criteria: ACMG Guidelines, 2015. Collection method: clinical testing. Allele origin: germline.

Ambry Genetics
Classification: Likely benign for Hereditary cancer-predisposing syndrome. Last evaluated: 2019-10-23. Review status: criteria provided, single submitter. Criteria: Ambry Variant Classification Scheme 2023. Collection method: clinical testing. Allele origin: germline.

PreventionGenetics, part of Exact Sciences
Classification: Likely benign for CTNNA1-related condition. Last evaluated: 2024-08-17. Review status: no assertion criteria provided. Collection method: clinical testing. Allele origin: germline. Not counted in ClinVar's aggregate classification.
Comment: This variant is classified as likely benign based on ACMG/AMP sequence variant interpretation guidelines (Richards et al. 2015 PMID: 25741868, with internal and published modifications).

NM_001903.5(CTNNA1):c.1329T>C (p.Asn443=)

Gene: CTNNA1 (catenin alpha 1; plus strand). Cytogenetic location: 5q31.2.
Variant type: single nucleotide variant.
Coding change: c.1329T>C on transcript NM_001903.5 (MANE Select); coding-DNA position 1329, T replaced by C.
Protein change: p.Asn443=; no amino-acid change (asparagine 443 retained).
Molecular consequence: synonymous variant. On other transcripts: 5 prime UTR variant (6), intron variant (3).
Genome position (GRCh38, 1-based): chr5:138,904,381, T>C. VCF-style: chr5-138904381-T-C. GRCh37 (hg19) VCF-style: chr5-138240070-T-C.
Other names: c.1329T>C, p.Asn443= (NM_001290307.3, NM_001323982.2, NM_001323983.1 and 2 more transcripts); c.1020T>C, p.Asn340= (NM_001290309.3); c.960T>C, p.Asn320= (NM_001290310.3); c.219T>C, p.Asn73= (NM_001290312.1, NM_001323987.1, NM_001323988.1 and 17 more transcripts); c.-179T>C (NM_001324006.1, NM_001324007.1, NM_001324008.1 and 1 more transcripts); c.-25T>C (NM_001324012.1, NM_001324013.1); c.1297-13361T>C (NM_001323986.2); c.187-13361T>C (NM_001324011.1); and 2 more.
Identifiers: ClinVar variation 696506 (VCV000696506.22), dbSNP rs775346533, ClinGen allele CA3431921.